The following is an entry in ClinVar:

ClinVar aggregate classification (germline): Uncertain significance (1 of 4 stars; one submission).

Conditions:
Inborn genetic diseases. Identifiers: MedGen C0950123, MeSH D030342.

Submission:

Ambry Genetics
Classification: Uncertain significance for Inborn genetic diseases. Last evaluated: 2025-10-19. Review status: criteria provided, single submitter. Criteria: Ambry Variant Classification Scheme 2023. Collection method: clinical testing. Allele origin: germline.
Comment: The p.A38V variant (also known as c.113C>T), located in coding exon 1 of the KDM1A gene, results from a C to T substitution at nucleotide position 113. The alanine at codon 38 is replaced by valine, an amino acid with similar properties. This amino acid position is conserved. In addition, this alteration is predicted to be tolerated by in silico analysis. Based on the available evidence, the clinical significance of this variant remains unclear.

NM_001009999.3(KDM1A):c.113C>T (p.Ala38Val)

Gene: KDM1A (lysine demethylase 1A; plus strand). Cytogenetic location: 1p36.12.
Variant type: single nucleotide variant.
Coding change: c.113C>T on transcript NM_001009999.3 (MANE Select); coding-DNA position 113, C replaced by T.
Protein change: p.Ala38Val; replaces alanine 38 with valine.
Molecular consequence: missense variant.
Genome position (GRCh38, 1-based): chr1:23,019,709, C>T. VCF-style: chr1-23019709-C-T. GRCh37 (hg19) VCF-style: chr1-23346202-C-T.
Other names: c.113C>T, p.Ala38Val (NM_001363654.2, NM_001410762.1, NM_001410763.1 and 1 more transcripts); short protein forms A38V.
Identifiers: ClinVar variation 4622680 (VCV004622680.1).
Genomic context (GRCh38, chr1:23,019,709, plus strand): 5'-CAACCGGGACGGAGGCTGGCCCTGGGACAGCAGGCGGCTCCGAGAACGGGTCTGAGGTGG[C>T]CGCGCAGCCCGCGGGCCTGTCGGGCCCAGCCGAGGTCGGGCCGGGGGCGGTGGGGGAGCG-3'
Protein context (NP_001009999.1, residues 28-48): AGGSENGSEV[Ala38Val]AQPAGLSGPA